The following is an entry in ClinVar:

NM_018979.4(WNK1):c.6472G>C (p.Ala2158Pro)

Gene: WNK1 (WNK lysine deficient protein kinase 1; plus strand). Cytogenetic location: 12p13.33.
Variant type: single nucleotide variant.
Coding change: c.6472G>C on transcript NM_018979.4 (MANE Select); coding-DNA position 6472, G replaced by C.
Protein change: p.Ala2158Pro; replaces alanine 2158 with proline.
Molecular consequence: missense variant.
Genome position (GRCh38, 1-based): chr12:900,499, G>C. VCF-style: chr12-900499-G-C. GRCh37 (hg19) VCF-style: chr12-1009665-G-C.
Other names: c.7252G>C, p.Ala2418Pro (NM_001184985.2); c.5728G>C, p.Ala1910Pro (NM_014823.3); c.7228G>C, p.Ala2410Pro (NM_213655.5); short protein forms A1910P, A2158P, A2410P, A2418P.
Identifiers: ClinVar variation 1720410 (VCV001720410.5), dbSNP rs1173159491, ClinGen allele CA383337999.

ClinVar aggregate classification (germline): Uncertain significance (1 of 4 stars; one submission).

Conditions:
Neuropathy, hereditary sensory and autonomic, type 2A (HSAN2A). Also called: MORVAN DISEASE; NEUROPATHY, CONGENITAL SENSORY; NEUROPATHY, HEREDITARY SENSORY RADICULAR, AUTOSOMAL RECESSIVE; NEUROPATHY, HEREDITARY SENSORY, TYPE IIA; NEUROPATHY, PROGRESSIVE SENSORY, OF CHILDREN; ACROOSTEOLYSIS, GIACCAI TYPE. Identifiers: Orphanet 970, MedGen C2752089, MONDO:0024309, OMIM 201300.
Pseudohypoaldosteronism type 2C (PHA2C). Also called: Pseudohypoaldosteronism Type IIC. Identifiers: Orphanet 757, Orphanet 88940, MedGen C1840391, MONDO:0013778, OMIM 614492.

Submission:

Labcorp Genetics (formerly Invitae), Labcorp
Classification: Uncertain significance for Neuropathy, hereditary sensory and autonomic, type 2A; Pseudohypoaldosteronism type 2C. Last evaluated: 2023-01-19. Review status: criteria provided, single submitter. Criteria: Invitae Variant Classification Sherloc (09022015). Collection method: clinical testing. Allele origin: germline.
Comment: In summary, the available evidence is currently insufficient to determine the role of this variant in disease. Therefore, it has been classified as a Variant of Uncertain Significance. Advanced modeling of protein sequence and biophysical properties (such as structural, functional, and spatial information, amino acid conservation, physicochemical variation, residue mobility, and thermodynamic stability) performed at Invitae indicates that this missense variant is not expected to disrupt WNK1 protein function. ClinVar contains an entry for this variant (Variation ID: 1720410). This variant has not been reported in the literature in individuals affected with WNK1-related conditions. This variant is not present in population databases (gnomAD no frequency). This sequence change replaces alanine, which is neutral and non-polar, with proline, which is neutral and non-polar, at codon 2410 of the WNK1 protein (p.Ala2410Pro).